The following is an entry in ClinVar:

NM_001943.5(DSG2):c.2084C>T (p.Thr695Met)

Genes: DSG2 (desmoglein 2; plus strand), DSG2-AS1 (DSG2 antisense RNA 1; minus strand). Cytogenetic location: 18q12.1.
Variant type: single nucleotide variant.
Coding change: c.2084C>T on transcript NM_001943.5 (MANE Select); coding-DNA position 2084, C replaced by T.
Protein change: p.Thr695Met; replaces threonine 695 with methionine.
Molecular consequence: missense variant.
Genome position (GRCh38, 1-based): chr18:31,542,602, C>T. VCF-style: chr18-31542602-C-T. GRCh37 (hg19) VCF-style: chr18-29122565-C-T.
Other names: c.2084C>T (LRG_397t1); short protein forms T695M.
Identifiers: ClinVar variation 618607 (VCV000618607.25), dbSNP rs200137091, ClinGen allele CA044807.

ClinVar aggregate classification (germline): Conflicting classifications of pathogenicity. Review status: criteria provided, conflicting classifications (1 of 4 stars). 7 submissions from 7 submitters: Uncertain significance (6); Likely benign (1). Last evaluated 2024-11-14.

Conditions:
Cardiovascular phenotype. Identifiers: MedGen CN230736.
Arrhythmogenic right ventricular dysplasia 10. Also called: Arrhythmogenic Right Ventricular Dysplasia/Cardiomyopathy10; ARRHYTHMOGENIC RIGHT VENTRICULAR DYSPLASIA, FAMILIAL, 10; Arrhythmogenic right ventricular dysplasia/cardiomyopathy, type 10. Identifiers: MedGen C1857777, MONDO:0012434, OMIM 610193.
Dilated cardiomyopathy 1BB (CMD1BB). Also called: CARDIOMYOPATHY, DILATED, 1BB, SUSCEPTIBILITY TO. Identifiers: Orphanet 154, MedGen C2752072, MONDO:0013030, OMIM 612877.
Arrhythmogenic right ventricular cardiomyopathy (ARVD). Also called: Arrhythmogenic cardiomyopathy; Cardiomyopathy, ARVC; Arrhythmogenic right ventricular dysplasia; Arrhythmogenic Right Ventricular Cardiomyopathy (ARVC). Identifiers: Orphanet 247, MedGen C0349788, MeSH D019571, MONDO:0016587. Disease mechanism: loss of function. Inheritance: Various modes of inheritance.
Cardiomyopathy (CMYO). Also called: Cardiomyopathies. Identifiers: Orphanet 167848, MedGen C0878544, MONDO:0004994, HP:0001638. Inheritance: Various modes of inheritance.

Allele frequency attached by ClinVar (database versions not stated): ExAC 0.00003; ESP Exome Variant Server 0.00016; 1000 Genomes Project 0.00020; 1000 Genomes Project 30x 0.00031; gnomAD exomes 0.00002; TOPMed 0.00002.
gnomAD v4.1: 20 of 1,614,004 alleles (0.0012%); highest among the groups gnomAD compares: Admixed American, 0.0017%; no homozygotes.

Submissions (7):

Ambry Genetics
Classification: Likely benign for Cardiovascular phenotype. Last evaluated: 2024-11-14. Review status: criteria provided, single submitter. Criteria: Ambry Variant Classification Scheme 2023. Collection method: clinical testing. Allele origin: germline.

All of Us Research Program, National Institutes of Health
Classification: Uncertain significance for Arrhythmogenic right ventricular cardiomyopathy. Last evaluated: 2024-07-29. Review status: criteria provided, single submitter. Criteria: ACMG Guidelines, 2015. Collection method: clinical testing. Allele origin: germline. Inheritance: Autosomal dominant inheritance. Observed: 5 variant alleles, 5 heterozygotes.
Comment: This missense variant replaces threonine with methionine at codon 695 of the DSG2 protein. Computational prediction suggests that this variant may not impact protein structure and function (internally defined REVEL score threshold <= 0.5, PMID: 27666373). To our knowledge, functional studies have not been reported for this variant. This variant has not been reported in individuals affected with cardiovascular disorders in the literature. This variant has been identified in 5/249384 chromosomes in the general population by the Genome Aggregation Database (gnomAD). The available evidence is insufficient to determine the role of this variant in disease conclusively. Therefore, this variant is classified as a Variant of Uncertain Significance.

This study involves interpretation of variants in research participants for the purpose of population health screening. Participant phenotype was not available at the time of variant classification. Additional details can be found in publication PMID: 35346344, PMCID: PMC8962531

Color Diagnostics, LLC DBA Color Health
Classification: Uncertain significance for Cardiomyopathy. Last evaluated: 2024-05-30. Review status: criteria provided, single submitter. Criteria: ACMG Guidelines, 2015. Collection method: clinical testing. Allele origin: germline.
Comment: This missense variant replaces threonine with methionine at codon 695 of the DSG2 protein. Computational prediction suggests that this variant may not impact protein structure and function (internally defined REVEL score threshold <= 0.5, PMID: 27666373). To our knowledge, functional studies have not been reported for this variant. This variant has not been reported in individuals affected with cardiovascular disorders in the literature. This variant has been identified in 5/249384 chromosomes in the general population by the Genome Aggregation Database (gnomAD). The available evidence is insufficient to determine the role of this variant in disease conclusively. Therefore, this variant is classified as a Variant of Uncertain Significance.

Labcorp Genetics (formerly Invitae), Labcorp
Classification: Uncertain significance for Arrhythmogenic right ventricular dysplasia 10. Last evaluated: 2022-09-06. Review status: criteria provided, single submitter. Criteria: Invitae Variant Classification Sherloc (09022015). Collection method: clinical testing. Allele origin: germline.
Comment: This sequence change replaces threonine, which is neutral and polar, with methionine, which is neutral and non-polar, at codon 695 of the DSG2 protein (p.Thr695Met). This variant is present in population databases (rs200137091, gnomAD 0.003%). This variant has not been reported in the literature in individuals affected with DSG2-related conditions. ClinVar contains an entry for this variant (Variation ID: 618607). Algorithms developed to predict the effect of missense changes on protein structure and function output the following: SIFT: "Tolerated"; PolyPhen-2: "Benign"; Align-GVGD: "Class C0". The methionine amino acid residue is found in multiple mammalian species, which suggests that this missense change does not adversely affect protein function. In summary, the available evidence is currently insufficient to determine the role of this variant in disease. Therefore, it has been classified as a Variant of Uncertain Significance.

Fulgent Genetics
Classification: Uncertain significance for Arrhythmogenic right ventricular dysplasia 10; Dilated cardiomyopathy 1BB. Last evaluated: 2021-08-10. Review status: criteria provided, single submitter. Criteria: ACMG Guidelines, 2015. Collection method: clinical testing. Allele origin: unknown.

Women's Health and Genetics/Laboratory Corporation of America, LabCorp
Classification: Uncertain significance. Last evaluated: 2018-11-19. Review status: criteria provided, single submitter. Criteria: LabCorp Variant Classification Summary - May 2015. Collection method: clinical testing. Allele origin: germline.
Comment: Variant summary: DSG2 c.2084C>T (p.Thr695Met) results in a non-conservative amino acid change in the encoded protein sequence. Four of five in-silico tools predict a benign effect of the variant on protein function. The variant allele was found at a frequency of 1.6e-05 in 246042 control chromosomes. The available data on variant occurrences in the general population are insufficient to allow any conclusion about variant significance. c.2084C>T has not been reported in the literature in individuals affected with Arrhythmia. To our knowledge, no experimental evidence demonstrating an impact on protein function has been reported. No clinical diagnostic laboratories have submitted clinical-significance assessments for this variant to ClinVar after 2014. Based on the evidence outlined above, the variant was classified as uncertain significance.

ARUP Laboratories, Molecular Genetics and Genomics, ARUP Laboratories
Classification: Uncertain significance. Last evaluated: 2018-02-27. Review status: criteria provided, single submitter. Criteria: ARUP Molecular Germline Variant Investigation Process. Collection method: clinical testing. Allele origin: germline.
Comment: The DSG2 c.2084C>T; p.Thr695Met variant (rs200137091), to our knowledge, is not reported in the medical literature, gene specific variation databases, nor has it been previously identified by our laboratory. This variant is listed in the genome Aggregation Database (gnomAD) with an overall population frequency of 0.002% (identified on 4 out of 246,042 chromosomes). The threonine at position 695 is weakly conserved, considering 12 species, and computational analyses of the effects of the p.Thr695Met variant on protein structure and function do not predict a deleterious effect (SIFT: tolerated, PolyPhen-2: benign). Based on the available information, the clinical significance of the p.Thr695Met variant cannot be determined with certainty.

Literature cited by the submitters: PubMed 25174650 (cited by Women's Health and Genetics/Laboratory Corporation of America, LabCorp).